The following is an entry in ClinVar:

NM_021971.4(GMPPB):c.259+3C>G

Gene: GMPPB (GDP-mannose pyrophosphorylase B; minus strand). Cytogenetic location: 3p21.31.
Variant type: single nucleotide variant.
Coding change: c.259+3C>G on transcript NM_021971.4 (MANE Select); 3 bases into the intron after coding-DNA position 259, C replaced by G.
Molecular consequence: intron variant.
Genome position (GRCh38, 1-based): chr3:49,723,251, G>C on the plus strand (C>G on the coding strand, the complement: GMPPB is on the minus strand). VCF-style: chr3-49723251-G-C. GRCh37 (hg19) VCF-style: chr3-49760684-G-C.
Other names: c.259+3C>G (NM_013334.4).
Identifiers: ClinVar variation 1993137 (VCV001993137.4), dbSNP rs2544756868, ClinGen allele CA2577598629.

ClinVar aggregate classification (germline): Uncertain significance (1 of 4 stars; one submission).

Conditions:
Muscular dystrophy-dystroglycanopathy (congenital with impaired intellectual development), type B, 14. Also called: MUSCULAR DYSTROPHY, CONGENITAL, GMPPB-RELATED; Congenital muscular dystrophy-dystroglycanopathy with mental retardation, type B14; Muscular dystrophy-dystroglycanopathy (congenital with intellectual disability), type B14. Identifiers: MedGen C3809221, MONDO:0014141, OMIM 615351.
Muscular dystrophy-dystroglycanopathy (congenital with brain and eye anomalies), type A14. Also called: WALKER-WARBURG SYNDROME OR MUSCLE-EYE-BRAIN DISEASE, GMPPB-RELATED; Muscular dystrophy-dystroglycanopathy (congenital with brain and eye anomalies), type a, 14; Congenital Muscular Dystrophy-Dystroglycanopathy with Brain and Eye Anomalies Type A 14; Congenital muscular dystrophy-dystroglycanopathy with brain and eye anomalies, type A14. Identifiers: Orphanet 588, MedGen C3809216, MONDO:0014140, OMIM 615350.
Autosomal recessive limb-girdle muscular dystrophy type 2T. Also called: MUSCULAR DYSTROPHY-DYSTROGLYCANOPATHY, LIMB-GIRDLE, GMPPB-RELATED; MUSCULAR DYSTROPHY, LIMB-GIRDLE, TYPE 2T; Muscular dystrophy-dystroglycanopathy (limb-girdle), type c, 14; Limb-girdle muscular dystrophy-dystroglycanopathy, type C14. Identifiers: Orphanet 363623, MedGen C4518000, MONDO:0014142, OMIM 615352.

Submission:

Labcorp Genetics (formerly Invitae), Labcorp
Classification: Uncertain significance for Autosomal recessive limb-girdle muscular dystrophy type 2T; Muscular dystrophy-dystroglycanopathy (congenital with brain and eye anomalies), type A14; Muscular dystrophy-dystroglycanopathy (congenital with impaired intellectual development), type B, 14. Last evaluated: 2022-05-11. Review status: criteria provided, single submitter. Criteria: Invitae Variant Classification Sherloc (09022015). Collection method: clinical testing. Allele origin: germline.
Comment: In summary, the available evidence is currently insufficient to determine the role of this variant in disease. Therefore, it has been classified as a Variant of Uncertain Significance. Variants that disrupt the consensus splice site are a relatively common cause of aberrant splicing (PMID: 17576681, 9536098). Algorithms developed to predict the effect of sequence changes on RNA splicing suggest that this variant is not likely to affect RNA splicing. This variant has not been reported in the literature in individuals affected with GMPPB-related conditions. This variant is not present in population databases (gnomAD no frequency). This sequence change falls in intron 3 of the GMPPB gene. It does not directly change the encoded amino acid sequence of the GMPPB protein. It affects a nucleotide within the consensus splice site.

Literature cited by the submitters: PubMed 17576681; PubMed 9536098.